The following is an entry in ClinVar:

ClinVar aggregate classification (germline): Uncertain significance. Review status: criteria provided, multiple submitters, no conflicts (2 of 4 stars). 2 submissions from 2 submitters: Uncertain significance (2). Last evaluated 2020-11-25.

Conditions:
Autosomal dominant hypocalcemia 1 (HYPOC1). Also called: HYPOCALCEMIA, FAMILIAL. Identifiers: MedGen C3715128, MONDO:0011013, OMIM 601198.
Familial hypocalciuric hypercalcemia (FHH). Also called: Familial benign hypercalcemia. Identifiers: Orphanet 405, MedGen C1809471, MONDO:0018458.
Nephrolithiasis/nephrocalcinosis. Identifiers: MedGen CN580796.

Allele frequency attached by ClinVar (database versions not stated): gnomAD exomes below 0.00001; TOPMed below 0.00001; ExAC 0.00001.
gnomAD v4.1: 1 of 1,614,064 alleles (0.000062%); highest among the groups gnomAD compares: African/African-American, 0.0013%; no homozygotes.

Submissions (2):

Ambry Genetics
Classification: Uncertain significance for Nephrolithiasis/nephrocalcinosis. Last evaluated: 2020-11-25. Review status: criteria provided, single submitter. Criteria: Ambry Variant Classification Scheme 2023. Collection method: clinical testing. Allele origin: germline.
Comment: The p.L631V variant (also known as c.1891C>G), located in coding exon 6 of the CASR gene, results from a C to G substitution at nucleotide position 1891. The leucine at codon 631 is replaced by valine, an amino acid with highly similar properties. This amino acid position is well conserved in available vertebrate species. In addition, the in silico prediction for this alteration is inconclusive. Since supporting evidence is limited at this time, the clinical significance of this alteration remains unclear.

Labcorp Genetics (formerly Invitae), Labcorp
Classification: Uncertain significance for Familial hypocalciuric hypercalcemia; Autosomal dominant hypocalcemia 1. Last evaluated: 2018-12-10. Review status: criteria provided, single submitter. Criteria: Invitae Variant Classification Sherloc (09022015). Collection method: clinical testing. Allele origin: germline.
Comment: In summary, the available evidence is currently insufficient to determine the role of this variant in disease. Therefore, it has been classified as a Variant of Uncertain Significance. Algorithms developed to predict the effect of sequence changes on RNA splicing suggest that this variant may create or strengthen a splice site, but this prediction has not been confirmed by published transcriptional studies. Algorithms developed to predict the effect of missense changes on protein structure and function are either unavailable or do not agree on the potential impact of this missense change (SIFT: "Deleterious"; PolyPhen-2: "Benign"; Align-GVGD: "Class C0"). This variant has not been reported in the literature in individuals with CASR-related conditions. This variant is present in population databases (rs755874864, ExAC 0.01%). This sequence change replaces leucine with valine at codon 631 of the CASR protein (p.Leu631Val). The leucine residue is highly conserved and there is a small physicochemical difference between leucine and valine.

NM_000388.4(CASR):c.1891C>G (p.Leu631Val)

Gene: CASR (calcium sensing receptor; plus strand). Cytogenetic location: 3q21.1.
Variant type: single nucleotide variant.
Coding change: c.1891C>G on transcript NM_000388.4 (MANE Select); coding-DNA position 1891, C replaced by G.
Protein change: p.Leu631Val; replaces leucine 631 with valine.
Molecular consequence: missense variant.
Genome position (GRCh38, 1-based): chr3:122,283,845, C>G. VCF-style: chr3-122283845-C-G. GRCh37 (hg19) VCF-style: chr3-122002692-C-G.
Other names: c.1921C>G, p.Leu641Val (NM_001178065.2); short protein forms L641V, L631V.
Identifiers: ClinVar variation 642676 (VCV000642676.11), dbSNP rs755874864, ClinGen allele CA2569758.
Genomic context (GRCh38, chr3:122,283,845, plus strand): 5'-CCCTTTGGGATCGCACTCACCCTCTTTGCCGTGCTGGGCATTTTCCTGACAGCCTTTGTG[C>G]TGGGTGTGTTTATCAAGTTCCGCAACACACCCATTGTCAAGGCCACCAACCGAGAGCTCT-3'
Protein context (NP_000379.3, residues 621-641): VLGIFLTAFV[Leu631Val]GVFIKFRNTP